The following is an entry in ClinVar:

ClinVar aggregate classification (germline): Likely pathogenic (1 of 4 stars; one submission).

Conditions:
DYNC2I1-related disorder. Also called: DYNC2I1-related condition.

Submission:

PreventionGenetics, part of Exact Sciences
Classification: Likely pathogenic for DYNC2I1-related condition. Last evaluated: 2026-09-23. Review status: criteria provided, single submitter. Criteria: ACMG Guidelines, 2015. Collection method: clinical testing. Allele origin: germline.
Comment: The DYNC2I1 c.553delA variant is predicted to result in a frameshift and premature protein termination (p.Arg185Glufs*133). To our knowledge, this variant has not been reported in the literature or in a large population database (gnomAD), indicating this variant is rare. Frameshift variants in DYNC2I1 are expected to be pathogenic. This variant is interpreted as likely pathogenic.

NM_018051.5(DYNC2I1):c.553del (p.Arg185fs)

Gene: DYNC2I1 (dynein 2 intermediate chain 1; plus strand). Cytogenetic location: 7q36.3.
Variant type: Deletion.
Coding change: c.553del on transcript NM_018051.5 (MANE Select); coding-DNA position 553, one base deleted (A; older notation c.553delA).
Protein change: p.Arg185fs; shifts the reading frame from arginine 185.
Molecular consequence: frameshift variant. On other transcripts: 5 prime UTR variant (3).
Genome position (GRCh38, 1-based): chr7:158,876,671, A deleted; the last of 3 consecutive A bases (chr7:158,876,669-158,876,671); deleting any one gives the same sequence. VCF-style (leftmost placement, unchanged base first): chr7-158876668-GA-G. GRCh37 (hg19) VCF-style: chr7-158669359-GA-G.
Other names: c.415del, p.Arg139fs (NM_001350914.2); c.36del, p.Glu13fs (NM_001350915.2); c.-806del (NM_001350916.2); c.-814del (NM_001350917.2); c.-933del (NM_001350918.2); short protein forms E13fs, R139fs, R185fs.
Identifiers: ClinVar variation 2631190 (VCV002631190.2), dbSNP rs2535858456, ClinGen allele CA2685885291.